The following is an entry in ClinVar:

NM_000702.4(ATP1A2):c.2424C>G (p.Asp808Glu)

Gene: ATP1A2 (ATPase Na+/K+ transporting subunit alpha 2; plus strand). Cytogenetic location: 1q23.2.
Variant type: single nucleotide variant.
Coding change: c.2424C>G on transcript NM_000702.4 (MANE Select); coding-DNA position 2424, C replaced by G.
Protein change: p.Asp808Glu; replaces aspartic acid 808 with glutamic acid.
Molecular consequence: missense variant.
Genome position (GRCh38, 1-based): chr1:160,135,978, C>G. VCF-style: chr1-160135978-C-G. GRCh37 (hg19) VCF-style: chr1-160105768-C-G.
Other names: short protein forms D808E.
Identifiers: ClinVar variation 645609 (VCV000645609.8), dbSNP rs1570994712, ClinGen allele CA343250882.

ClinVar aggregate classification (germline): Likely pathogenic (1 of 4 stars; one submission).

Conditions:
Familial hemiplegic migraine. Identifiers: MedGen C0338484, MONDO:0000700.

Submission:

Labcorp Genetics (formerly Invitae), Labcorp
Classification: Likely pathogenic for Familial hemiplegic migraine. Last evaluated: 2023-05-22. Review status: criteria provided, single submitter. Criteria: Invitae Variant Classification Sherloc (09022015). Collection method: clinical testing. Allele origin: germline.
Comment: This sequence change replaces aspartic acid, which is acidic and polar, with glutamic acid, which is acidic and polar, at codon 808 of the ATP1A2 protein (p.Asp808Glu). This variant is not present in population databases (gnomAD no frequency). In summary, the currently available evidence indicates that the variant is pathogenic, but additional data are needed to prove that conclusively. Therefore, this variant has been classified as Likely Pathogenic. This missense change has been observed in individual(s) with clinical features of developmental and epileptic encephalopathy (Invitae). In at least one individual the variant was observed to be de novo. ClinVar contains an entry for this variant (Variation ID: 645609). Advanced modeling of protein sequence and biophysical properties (such as structural, functional, and spatial information, amino acid conservation, physicochemical variation, residue mobility, and thermodynamic stability) performed at Invitae indicates that this missense variant is not expected to disrupt ATP1A2 protein function.